The following is an entry in ClinVar:

ClinVar aggregate classification (germline): Likely benign. Review status: criteria provided, single submitter (1 of 4 stars). 2 submissions from 2 submitters: Likely benign (1). 1 of the submissions does not count toward it. Last evaluated 2024-03-05.

Conditions:
BLTP1-related disorder. Also called: BLTP1-related condition.

Allele frequency attached by ClinVar (database versions not stated): gnomAD exomes 0.00003; TOPMed 0.00006; gnomAD 0.00007; ExAC 0.00016; 1000 Genomes Project 0.00060; 1000 Genomes Project 30x 0.00062.
gnomAD v4.1: 69 of 1,599,618 alleles (0.0043%); highest among the groups gnomAD compares: East Asian, 0.13%; no homozygotes.

Submissions (2):

Blueprint Genetics
Classification: Likely benign. Last evaluated: 2024-03-05. Review status: criteria provided, single submitter. Criteria: ACMG Guidelines, 2015. Collection method: clinical testing. Allele origin: germline.

PreventionGenetics, part of Exact Sciences
Classification: Likely benign for BLTP1-related condition. Last evaluated: 2019-03-21. Review status: no assertion criteria provided. Collection method: clinical testing. Allele origin: germline. Not counted in ClinVar's aggregate classification.
Comment: This variant is classified as likely benign based on ACMG/AMP sequence variant interpretation guidelines (Richards et al. 2015 PMID: 25741868, with internal and published modifications).

NM_001384125.1(BLTP1):c.8991G>A (p.Leu2997=)

Gene: BLTP1 (bridge-like lipid transfer protein family member 1; plus strand). Cytogenetic location: 4q27.
Variant type: single nucleotide variant.
Coding change: c.8991G>A on transcript NM_001384125.1 (MANE Select); coding-DNA position 8991, G replaced by A.
Protein change: p.Leu2997=; no amino-acid change (leucine 2997 retained).
Molecular consequence: synonymous variant.
Genome position (GRCh38, 1-based): chr4:122,281,728, G>A. VCF-style: chr4-122281728-G-A. GRCh37 (hg19) VCF-style: chr4-123202883-G-A.
Other names: c.8991G>A, p.Leu2997= (NM_015312.4).
Identifiers: ClinVar variation 3057880 (VCV003057880.3), dbSNP rs530874698, ClinGen allele CA3067286.